The following is an entry in ClinVar:

ClinVar aggregate classification (germline): Likely benign. Review status: criteria provided, multiple submitters, no conflicts (2 of 4 stars). 3 submissions from 3 submitters: Likely benign (2). 1 of the submissions does not count toward it. Last evaluated 2025-05-22.

Conditions:
KPNA7-related disorder. Also called: KPNA7-related condition.

Allele frequency attached by ClinVar (database versions not stated): gnomAD exomes 0.00005 and 0.00003; gnomAD 0.00008; TOPMed 0.00011.
gnomAD v4.1: 88 of 1,549,600 alleles (0.0057%); highest among the groups gnomAD compares: Middle Eastern, 0.017%; no homozygotes.

Submissions (3):

Labcorp Genetics (formerly Invitae), Labcorp
Classification: Likely benign. Last evaluated: 2025-05-22. Review status: criteria provided, single submitter. Criteria: Invitae Variant Classification Sherloc (09022015). Collection method: clinical testing. Allele origin: germline.

Breakthrough Genomics
Classification: Likely benign. Review status: criteria provided, single submitter. Criteria: ACMG Guidelines, 2015. Collection method: not provided. Allele origin: germline. Inheritance: Unknown mechanism. Affected: yes.

PreventionGenetics, part of Exact Sciences
Classification: Likely benign for KPNA7-related condition. Last evaluated: 2019-04-08. Review status: no assertion criteria provided. Collection method: clinical testing. Allele origin: germline. Not counted in ClinVar's aggregate classification.
Comment: This variant is classified as likely benign based on ACMG/AMP sequence variant interpretation guidelines (Richards et al. 2015 PMID: 25741868, with internal and published modifications).

NM_001145715.3(KPNA7):c.1482A>G (p.Gln494=)

Gene: KPNA7 (karyopherin subunit alpha 7; minus strand). Cytogenetic location: 7q22.1.
Variant type: single nucleotide variant.
Coding change: c.1482A>G on transcript NM_001145715.3 (MANE Select); coding-DNA position 1482, A replaced by G.
Protein change: p.Gln494=; no amino-acid change (glutamine 494 retained).
Molecular consequence: synonymous variant.
Genome position (GRCh38, 1-based): chr7:99,173,777, T>C on the plus strand (A>G on the coding strand, the complement: KPNA7 is on the minus strand). VCF-style: chr7-99173777-T-C. GRCh37 (hg19) VCF-style: chr7-98771400-T-C.
Other names: c.1482A>G (NM_001145715.2).
Identifiers: ClinVar variation 1159089 (VCV001159089.12), dbSNP rs976179206, ClinGen allele CA163743783.
Genomic context (GRCh38, chr7:99,173,777, plus strand): 5'-TGCTAAGCATTCATAATCTATAAATTCATAATCTTGGTCTATGACTTGGCTCAGTAAAGT[T>C]TGGCTCTCATCTTCTTCCTTCAGGAGAGAATAGACACTGTTATACCTCCAGGATTCTCAG-3'
Protein context (NP_001139187.1, residues 484-504): KHFGEEEDES[Gln494=]TLLSQVIDQD